The following is an entry in ClinVar:

ClinVar aggregate classification (germline): Pathogenic. Review status: criteria provided, multiple submitters, no conflicts (2 of 4 stars). 7 submissions from 7 submitters: Pathogenic (5). 2 of the submissions do not count toward it. Last evaluated 2022-10-02.

Conditions:
Inborn genetic diseases. Identifiers: MedGen C0950123, MeSH D030342.
Isolated Pierre-Robin syndrome. Also called: GLOSSOPTOSIS, MICROGNATHIA, AND CLEFT PALATE; Pierre-Robin sequence; Robin sequence; pierre robin association; Pierre Robin Syndrome. Identifiers: Orphanet 718, MedGen C0031900, MONDO:0009869, OMIM 261800, HP:0000201.
Hypotonia, ataxia, and delayed development syndrome (HADDS). Also called: EBF3 Neurodevelopmental Disorder. Identifiers: Orphanet 658843, MedGen C4310618, MONDO:0015021, OMIM 617330.
Global developmental delay (DD). Also called: Cognitive delay. Identifiers: MedGen C0557874, HP:0001263. Disease mechanism: loss of function.
Intellectual disability. Also called: intellectual disabilities; Intellectual functioning disability; Intellectual developmental disorder. Identifiers: MedGen C3714756, MeSH D008607, MONDO:0001071, HP:0001249.
Hypotonia. Also called: Muscular hypotonia; poor muscle tone. Identifiers: MedGen C0026827, HP:0001252.
Ataxia. Identifiers: MedGen C0004134, HP:0001251.
Expressive language delay. Identifiers: MedGen C0454641, HP:0002474.

Submissions (7):

GeneDx
Classification: Pathogenic. Last evaluated: 2022-10-02. Review status: criteria provided, single submitter. Criteria: GeneDx Variant Classification Process June 2021. Collection method: clinical testing. Allele origin: germline. Affected: yes.
Comment: Published functional studies demonstrate that R163Q mutant protein impairs transcriptional activation, consistent with a loss of function effect (Chao et al., 2017); Not observed at significant frequency in large population cohorts (gnomAD); This variant is associated with the following publications: (PMID: 34050706, 28017372, 30011838, 29062322, 28487885, 28017373, 28017370, 20300201, 31498321, 29162653, 19627984, 26582918)

Undiagnosed Diseases Network, NIH
Classification: Pathogenic for Hypotonia, ataxia, and delayed development syndrome. Last evaluated: 2017-02-27. Review status: criteria provided, single submitter. Criteria: ACMG Guidelines, 2015. Collection method: clinical testing. Allele origin: de novo. Inheritance: Autosomal dominant inheritance. Affected: yes. Observed: 1 variant allele, 1 heterozygote. Study: Undiagnosed Diseases Network (NIH), UDN.

Ambry Genetics
Classification: Pathogenic for Inborn genetic diseases. Last evaluated: 2016-12-28. Review status: criteria provided, single submitter. Criteria: Ambry exome assertion method (8-5-2015). Collection method: clinical testing. Allele origin: germline. Affected: yes. Observed: 1 variant allele.

Baylor Genetics
Classification: Pathogenic for Global developmental delay; Intellectual disability; Expressive language delay; Ataxia; Hypotonia. Last evaluated: 2016-08-25. Review status: criteria provided, single submitter. Criteria: ACMG Guidelines, 2015. Collection method: clinical testing. Allele origin: de novo. Inheritance: Autosomal dominant inheritance. Affected: yes. Observed: 1 variant allele, 1 heterozygote.

Broad Center for Mendelian Genomics, Broad Institute of MIT and Harvard
Classification: Pathogenic for Isolated Pierre-Robin syndrome. Review status: criteria provided, single submitter. Criteria: ACMG Guidelines, 2015. Collection method: research. Allele origin: germline. Inheritance: Autosomal dominant inheritance. Affected: yes. Observed: 1 variant allele, 1 heterozygote. Study: Broad Institute Center for Mendelian Genomics (CMG).
Comment: Trio analysis showed this variant occurred de novo. The p.Arg163Gln variant is located in the transcription factor EBF3 and occurs adjacent to a (de novo) ClinVar pathogenic variant for HADDS. The arginine (and adjacent serine) is highly conserved at the amino acid level and the nucleotide position is also highly conserved. The variant occurs in the conserved DNA binding and dimerization (homodimer) domains. Additionally, the c.488G>A variant occurs 2 nucleotides from the splice acceptor site of intron 5 so the missense variants in this region could potentially be functioning in a LoF mechanism and which may lead to slightly more mild phenotypes than the dominant negative acting missense variants in this gene. Additionally, of the first 3 initial papers describing this disorder, two patients had a G>A at the same position (PMID: 28017372) while another patient had a G>C at the same nucleotide position resulting in a p.Arg163Pro (PMID: 28017370). In summary, taken together, the evidence available suggest this variant is pathogenic.

OMIM
Classification: Pathogenic for HYPOTONIA, ATAXIA, AND DELAYED DEVELOPMENT SYNDROME. Last evaluated: 2023-02-23. Review status: no assertion criteria provided. Collection method: literature only. Allele origin: germline. Not counted in ClinVar's aggregate classification.

GeneReviews
No classification provided. Condition: Hypotonia, ataxia, and delayed development syndrome. Review status: no classification provided. Collection method: literature only. Allele origin: germline. Not counted in ClinVar's aggregate classification.

Literature cited by the submitters: PubMed 28017372 (cited by 6 submitters); PubMed 28017370 (cited by Ambry Genetics and Broad Center for Mendelian Genomics, Broad Institute of MIT and Harvard); PubMed 35340043 (cited by OMIM); PubMed 33956416 (cited by GeneReviews).

NM_001375380.1(EBF3):c.488G>A (p.Arg163Gln)

Gene: EBF3 (EBF transcription factor 3; minus strand). Cytogenetic location: 10q26.3.
Variant type: single nucleotide variant.
Coding change: c.488G>A on transcript NM_001375380.1 (MANE Select); coding-DNA position 488, G replaced by A.
Protein change: p.Arg163Gln; replaces arginine 163 with glutamine.
Molecular consequence: missense variant.
Genome position (GRCh38, 1-based): chr10:129,957,324, C>T on the plus strand (G>A on the coding strand, the complement: EBF3 is on the minus strand). VCF-style: chr10-129957324-C-T. GRCh37 (hg19) VCF-style: chr10-131755588-C-T.
Other names: c.488G>A, p.Arg163Gln (NM_001005463.3, NM_001375379.1, NM_001375389.1 and 3 more transcripts); short protein forms R163Q.
Identifiers: ClinVar variation 268156 (VCV000268156.13), dbSNP rs1057519389, ClinGen allele CA16044166.
Genomic context (GRCh38, chr10:129,957,324, plus strand): 5'-ATGATTACAGGGTCTGAGGGCGTTTCGTTTCTATTGCCACAACTTTTCTTGTCACAGCAC[C>T]GGCTGTGGAGCAATTGTAAACAGTGGTTTTAATATGCATTTCCCCCTTTTATGCCCGACT-3'
Protein context (NP_001362309.1, residues 153-173): VLLTHEIMCS[Arg163Gln]CCDKKSCGNR